The following is an entry in ClinVar:

NC_000016.9:g.(?_30762850)_(30762944_?)del

Gene: PHKG2 (phosphorylase kinase catalytic subunit gamma 2; plus strand). Cytogenetic location: 16p11.2.
Variant type: Deletion.
Identifiers: ClinVar variation 3243490 (VCV003243490.1).

ClinVar aggregate classification (germline): Pathogenic (1 of 4 stars; one submission).

Conditions:
Glycogen storage disease IXc (GSD9C). Also called: GSD IXc. Identifiers: Orphanet 264580, MedGen C2751643, MONDO:0013091, OMIM 613027.

Submission:

Labcorp Genetics (formerly Invitae), Labcorp
Classification: Pathogenic for Glycogen storage disease IXc. Last evaluated: 2023-05-05. Review status: criteria provided, single submitter. Criteria: Invitae Variant Classification Sherloc (09022015). Collection method: clinical testing. Allele origin: unknown.
Comment: For these reasons, this variant has been classified as Pathogenic. This variant has not been reported in the literature in individuals affected with PHKG2-related conditions. This variant is a gross deletion of the genomic region encompassing exon(s) 4 of the PHKG2 gene. This deletion is out-of-frame, and is expected to create a premature termination codon and result in an absent or disrupted protein product. Loss-of-function variants in PHKG2 are known to be pathogenic (PMID: 8896567, 17689125, 21646031).

Literature cited by the submitters: PubMed 8896567; PubMed 17689125; PubMed 21646031.